The following is an entry in ClinVar:

ClinVar aggregate classification (germline): Pathogenic/Likely pathogenic. Review status: criteria provided, multiple submitters, no conflicts (2 of 4 stars). 4 submissions from 4 submitters: Pathogenic (3); Likely pathogenic (1). Last evaluated 2026-01-03.

Conditions:
Hereditary spherocytosis type 4. Also called: SLC4A1-Related Spherocytosis. Identifiers: Orphanet 822, MedGen C2675212, MONDO:0012981, OMIM 612653.

Allele frequency attached by ClinVar (database versions not stated): ExAC 0.00001.

Submissions (4):

Labcorp Genetics (formerly Invitae), Labcorp
Classification: Pathogenic. Last evaluated: 2026-01-03. Review status: criteria provided, single submitter. Criteria: Invitae Variant Classification Sherloc (09022015). Collection method: clinical testing. Allele origin: germline.
Comment: This sequence change creates a premature translational stop signal (p.Arg304*) in the SLC4A1 gene. It is expected to result in an absent or disrupted protein product. Loss-of-function variants in SLC4A1 are known to be pathogenic (PMID: 8943874, 10926824, 23255290). The frequency data for this variant in the population databases is considered unreliable, as metrics indicate poor data quality at this position in the gnomAD database. This premature translational stop signal has been observed in individual(s) with hereditary spherocytosis (PMID: 36203343). ClinVar contains an entry for this variant (Variation ID: 1676959). For these reasons, this variant has been classified as Pathogenic.

Mayo Clinic Laboratories, Mayo Clinic
Classification: Likely pathogenic. Last evaluated: 2025-05-27. Review status: criteria provided, single submitter. Criteria: ACMG Guidelines, 2015. Collection method: clinical testing. Allele origin: germline. Observed: 1 variant allele.
Comment: PM2_supporting, PVS1

ARUP Laboratories, Molecular Genetics and Genomics, ARUP Laboratories
Classification: Pathogenic. Last evaluated: 2024-04-02. Review status: criteria provided, single submitter. Criteria: ARUP Molecular Germline Variant Investigation Process 2024. Collection method: clinical testing. Allele origin: germline.
Comment: The SLC4A1 c.910C>T; p.Arg304Ter variant (rs757158425) is reported in the literature in one individual affected with spherocytosis (Wang 2023). This variant is also reported in ClinVar (Variation ID: 1676959). This variant is only observed on one allele in the Genome Aggregation Database, indicating it is not a common polymorphism. This variant induces an early termination codon and is predicted to result in a truncated protein or mRNA subject to nonsense-mediated decay. Based on available information, this variant is considered to be pathogenic. References: Wang WJ et al. Identification of variants in 94 Chinese patients with hereditary spherocytosis by next-generation sequencing. Clin Genet. 2023 Jan. PMID: 36203343.

Jiangsu Institute of Hematology, the First Affiliated Hospital of Soochow University
Classification: Pathogenic for Hereditary spherocytosis type 4. Last evaluated: 2022-03-01. Review status: criteria provided, single submitter. Criteria: ACMG Guidelines, 2015. Collection method: research. Allele origin: unknown. Affected: yes.

Literature cited by the submitters: PubMed 8943874 (cited by Labcorp Genetics (formerly Invitae), Labcorp); PubMed 10926824 (cited by Labcorp Genetics (formerly Invitae), Labcorp); PubMed 23255290 (cited by Labcorp Genetics (formerly Invitae), Labcorp); PubMed 36203343 (cited by Labcorp Genetics (formerly Invitae), Labcorp and Mayo Clinic Laboratories, Mayo Clinic).

NM_000342.4(SLC4A1):c.910C>T (p.Arg304Ter)

Gene: SLC4A1 (solute carrier family 4 member 1 (Diego blood group); minus strand). Cytogenetic location: 17q21.31.
Variant type: single nucleotide variant.
Coding change: c.910C>T on transcript NM_000342.4 (MANE Select); coding-DNA position 910, C replaced by T.
Protein change: p.Arg304Ter; replaces arginine 304 with a stop codon.
Molecular consequence: nonsense.
Genome position (GRCh38, 1-based): chr17:44,258,590, G>A on the plus strand (C>T on the coding strand, the complement: SLC4A1 is on the minus strand). VCF-style: chr17-44258590-G-A. GRCh37 (hg19) VCF-style: chr17-42335958-G-A.
Other names: p.Arg304*; short protein forms R304*.
Identifiers: ClinVar variation 1676959 (VCV001676959.4), dbSNP rs757158425, ClinGen allele CA8600426.